The following is an entry in ClinVar:

NM_000439.5(PCSK1):c.1543T>C (p.Tyr515His)

Genes: CAST (calpastatin; plus strand), PCSK1 (proprotein convertase subtilisin/kexin type 1; minus strand), LOC101929710 (uncharacterized LOC101929710; plus strand). Cytogenetic location: 5q15.
Variant type: single nucleotide variant.
Coding change: c.1543T>C on transcript NM_000439.5 (MANE Select); coding-DNA position 1543, T replaced by C.
Protein change: p.Tyr515His; replaces tyrosine 515 with histidine.
Molecular consequence: missense variant. On other transcripts: intron variant (11).
Genome position (GRCh38, 1-based): chr5:96,398,924, A>G on the plus strand (T>C on the coding strand, the complement: PCSK1 is on the minus strand). VCF-style: chr5-96398924-A-G. GRCh37 (hg19) VCF-style: chr5-95734628-A-G.
Other names: c.1402T>C, p.Tyr468His (NM_001177875.2); c.-175+19272A>G (NM_001423254.1, NM_001423259.1, NM_001423255.1 and 6 more transcripts); c.-103+19272A>G (NM_001423253.1); c.-40+19272A>G (NM_001423258.1); short protein forms Y515H, Y468H.
Identifiers: ClinVar variation 5000530 (VCV005000530.1).

ClinVar aggregate classification (germline): Uncertain significance (1 of 4 stars; one submission).

Conditions:
PCSK1-related disorder. Also called: PCSK1-related condition.

Submission:

PreventionGenetics, part of Exact Sciences
Classification: Uncertain significance for PCSK1-related condition. Last evaluated: 2025-03-27. Review status: criteria provided, single submitter. Criteria: ACMG Guidelines, 2015. Collection method: clinical testing. Allele origin: germline.
Comment: The PCSK1 c.1543T>C variant is predicted to result in the amino acid substitution p.Tyr515His. To our knowledge, this variant has not been reported in the literature or in a large population database (gnomAD), indicating this variant is rare. At this time, the clinical significance of this variant is uncertain due to the absence of conclusive functional and genetic evidence.